The following is an entry in ClinVar:

NM_000237.3(LPL):c.46_47del (p.Gln16fs)

Gene: LPL (lipoprotein lipase; plus strand). Cytogenetic location: 8p21.3.
Variant type: Deletion.
Coding change: c.46_47del on transcript NM_000237.3 (MANE Select); coding-DNA positions 46 to 47, 2 bases deleted (CA; older notation c.46_47delCA).
Protein change: p.Gln16fs; shifts the reading frame from glutamine 16.
Molecular consequence: frameshift variant.
Genome position (GRCh38, 1-based): chr8:19,939,486-19,939,487, CA deleted. VCF-style (leftmost placement, unchanged base first): chr8-19939485-CCA-C. GRCh37 (hg19) VCF-style: chr8-19796996-CCA-C.
Other names: short protein forms Q16fs.
Identifiers: ClinVar variation 1431010 (VCV001431010.6), dbSNP rs1376148269, ClinGen allele CA580154283.
Genomic context (GRCh38, chr8:19,939,485, plus strand): 5'-AGGGACGCGCCCCGAGATGGAGAGCAAAGCCCTGCTCGTGCTGACTCTGGCCGTGTGGCT[CCA>C]GAGTCTGACCGCCTCCCGCGGAGGGGTGGCCGCCGCCGACCGTAAGTTTTGCGCGCAAAC-3'

ClinVar aggregate classification (germline): Pathogenic (1 of 4 stars; one submission).

Allele frequency attached by ClinVar (database versions not stated): gnomAD exomes below 0.00001 and 0.00001.

Submission:

Labcorp Genetics (formerly Invitae), Labcorp
Classification: Pathogenic. Last evaluated: 2022-03-14. Review status: criteria provided, single submitter. Criteria: Invitae Variant Classification Sherloc (09022015). Collection method: clinical testing. Allele origin: germline.
Comment: This variant is also known as p.Q-12E>11X. This premature translational stop signal has been observed in individual(s) with LPL-related conditions (PMID: 17717288, 33303402). This variant is present in population databases (no rsID available, gnomAD 0.0009%). This sequence change creates a premature translational stop signal (p.Gln16Glufs*24) in the LPL gene. It is expected to result in an absent or disrupted protein product. Loss-of-function variants in LPL are known to be pathogenic (PMID: 11334614). For these reasons, this variant has been classified as Pathogenic.

Literature cited by the submitters: PubMed 17717288; PubMed 33303402; PubMed 11334614.